The following is an entry in ClinVar:

NM_020944.3(GBA2):c.341A>G (p.His114Arg)

Gene: GBA2 (glucosylceramidase beta 2; minus strand). Cytogenetic location: 9p13.3.
Variant type: single nucleotide variant.
Coding change: c.341A>G on transcript NM_020944.3 (MANE Select); coding-DNA position 341, A replaced by G.
Protein change: p.His114Arg; replaces histidine 114 with arginine.
Molecular consequence: missense variant.
Genome position (GRCh38, 1-based): chr9:35,748,364, T>C on the plus strand (A>G on the coding strand, the complement: GBA2 is on the minus strand). VCF-style: chr9-35748364-T-C. GRCh37 (hg19) VCF-style: chr9-35748361-T-C.
Other names: c.341A>G, p.His114Arg (NM_001330660.2); short protein forms H114R.
Identifiers: ClinVar variation 642909 (VCV000642909.11), dbSNP rs1247383766, ClinGen allele CA373420310.
Genomic context (GRCh38, chr9:35,748,364, plus strand): 5'-AAAGTGAAGCCAAAGGCATTCTAGGCAATGGGGTCTACTCACCTCAAGCCCATGCCTATA[T>C]GCTTTATCATGTTGCTTAGGGAGACGTTGTTAGCTTGAAAGGGTTTCCTCTTCTCTGTAA-3'
Protein context (NP_065995.1, residues 104-124): NNVSLSNMIK[His114Arg]IGMGLRYLQW

ClinVar aggregate classification (germline): Uncertain significance. Review status: criteria provided, multiple submitters, no conflicts (2 of 4 stars). 2 submissions from 2 submitters: Uncertain significance (2). Last evaluated 2024-07-01.

Conditions:
Spastic paraplegia. Identifiers: MedGen C0037772, HP:0001258.
Hereditary spastic paraplegia 46. Also called: Spastic paraplegia 46, autosomal recessive. Identifiers: Orphanet 320391, MedGen C2828721, MONDO:0013737, OMIM 614409.

Allele frequency attached by ClinVar (database versions not stated): gnomAD 0.00001; gnomAD exomes 0.00001; TOPMed 0.00002.

Submissions (2):

Labcorp Genetics (formerly Invitae), Labcorp
Classification: Uncertain significance for Spastic paraplegia. Last evaluated: 2024-07-01. Review status: criteria provided, single submitter. Criteria: Invitae Variant Classification Sherloc (09022015). Collection method: clinical testing. Allele origin: germline.
Comment: This sequence change replaces histidine, which is basic and polar, with arginine, which is basic and polar, at codon 114 of the GBA2 protein (p.His114Arg). This variant is not present in population databases (gnomAD no frequency). This variant has not been reported in the literature in individuals affected with GBA2-related conditions. ClinVar contains an entry for this variant (Variation ID: 642909). An algorithm developed to predict the effect of missense changes on protein structure and function (PolyPhen-2) suggests that this variant is likely to be tolerated. In summary, the available evidence is currently insufficient to determine the role of this variant in disease. Therefore, it has been classified as a Variant of Uncertain Significance.

Revvity Omics, Revvity
Classification: Uncertain significance for Hereditary spastic paraplegia 46. Last evaluated: 2022-04-25. Review status: criteria provided, single submitter. Criteria: ACMG Guidelines, 2015. Collection method: clinical testing. Allele origin: germline.